The following is an entry in ClinVar:

ClinVar aggregate classification (germline): Benign/Likely benign. Review status: criteria provided, multiple submitters, no conflicts (2 of 4 stars). 3 submissions from 3 submitters: Benign (1); Likely benign (2). Last evaluated 2025-06-13.

Conditions:
Hereditary cancer-predisposing syndrome. Also called: Tumor predisposition; Neoplastic Syndromes, Hereditary; Hereditary neoplastic syndrome; Hereditary Cancer Syndrome. Identifiers: Orphanet 140162, MedGen C0027672, MeSH D009386, MONDO:0015356.
Von Hippel-Lindau syndrome (VHLS). Also called: VHL syndrome; Von Hippel-Lindau; von Hippel–Lindau syndrome. Identifiers: Orphanet 892, MedGen C0019562, MONDO:0008667, OMIM 193300. Disease mechanism: loss of function.
Chuvash polycythemia. Also called: POLYCYTHEMIA, VHL-DEPENDENT. Identifiers: Orphanet 238557, MedGen C1837915, MONDO:0009892, OMIM 263400.

Allele frequency attached by ClinVar (database versions not stated): TOPMed below 0.00001.

Submissions (3):

Myriad Genetics, Inc.
Classification: Benign for Von Hippel-Lindau syndrome. Last evaluated: 2025-06-13. Review status: criteria provided, single submitter. Criteria: Myriad Autosomal Dominant, Autosomal Recessive and X-Linked Classification Criteria (2023). Collection method: clinical testing. Allele origin: unknown.
Comment: This variant is considered benign. This variant is a silent/synonymous amino acid change and it is not expected to impact splicing.

Labcorp Genetics (formerly Invitae), Labcorp
Classification: Likely benign for Von Hippel-Lindau syndrome; Chuvash polycythemia. Last evaluated: 2025-03-23. Review status: criteria provided, single submitter. Criteria: Invitae Variant Classification Sherloc (09022015). Collection method: clinical testing. Allele origin: germline.

Ambry Genetics
Classification: Likely benign for Hereditary cancer-predisposing syndrome. Last evaluated: 2024-03-02. Review status: criteria provided, single submitter. Criteria: Ambry Variant Classification Scheme 2023. Collection method: clinical testing. Allele origin: germline.

NM_000551.4(VHL):c.603G>C (p.Leu201=)

Genes: VHL (von Hippel-Lindau tumor suppressor; plus strand), LOC107303340 (3p25 von Hippel-Lindau tumor suppressor, E3 ubiquitin protein ligase Alu-mediated recombination region; plus strand). Cytogenetic location: 3p25.3.
Variant type: single nucleotide variant.
Coding change: c.603G>C on transcript NM_000551.4 (MANE Select); coding-DNA position 603, G replaced by C.
Protein change: p.Leu201=; no amino-acid change (leucine 201 retained).
Molecular consequence: synonymous variant. On other transcripts: 3 prime UTR variant (1), non-coding transcript variant (1).
Genome position (GRCh38, 1-based): chr3:10,149,926, G>C. VCF-style: chr3-10149926-G-C. GRCh37 (hg19) VCF-style: chr3-10191610-G-C.
Other names: c.*157G>C (NM_001354723.2); c.480G>C, p.Leu160= (NM_198156.3).
Identifiers: ClinVar variation 1908404 (VCV001908404.7), dbSNP rs1291540947, ClinGen allele CA432423864.